The following is an entry in ClinVar:

ClinVar aggregate classification (germline): Uncertain significance. Review status: criteria provided, multiple submitters, no conflicts (2 of 4 stars). 3 submissions from 3 submitters: Uncertain significance (3). Last evaluated 2024-10-22.

Conditions:
WNK1-related disorder. Also called: WNK1-related condition.
Neuropathy, hereditary sensory and autonomic, type 2A (HSAN2A). Also called: HSAN IIA; ACROOSTEOLYSIS, GIACCAI TYPE; ACROOSTEOLYSIS, NEUROGENIC; MORVAN DISEASE; NEUROPATHY, CONGENITAL SENSORY; NEUROPATHY, HEREDITARY SENSORY RADICULAR, AUTOSOMAL RECESSIVE. Identifiers: Orphanet 970, MedGen C2752089, MONDO:0024309, OMIM 201300.
Pseudohypoaldosteronism type 2C (PHA2C). Also called: Pseudohypoaldosteronism Type IIC. Identifiers: Orphanet 757, Orphanet 88940, MedGen C1840391, MONDO:0013778, OMIM 614492.

Allele frequency attached by ClinVar (database versions not stated): gnomAD 0.00001; gnomAD exomes 0.00002.

Submissions (3):

Labcorp Genetics (formerly Invitae), Labcorp
Classification: Uncertain significance for Neuropathy, hereditary sensory and autonomic, type 2A; Pseudohypoaldosteronism type 2C. Last evaluated: 2024-10-22. Review status: criteria provided, single submitter. Criteria: Invitae Variant Classification Sherloc (09022015). Collection method: clinical testing. Allele origin: germline.
Comment: This sequence change replaces arginine, which is basic and polar, with glutamine, which is neutral and polar, at codon 2330 of the WNK1 protein (p.Arg2330Gln). This variant is present in population databases (no rsID available, gnomAD 0.004%). This variant has not been reported in the literature in individuals affected with WNK1-related conditions. ClinVar contains an entry for this variant (Variation ID: 1524697). Invitae Evidence Modeling of protein sequence and biophysical properties (such as structural, functional, and spatial information, amino acid conservation, physicochemical variation, residue mobility, and thermodynamic stability) indicates that this missense variant is not expected to disrupt WNK1 protein function with a negative predictive value of 95%. In summary, the available evidence is currently insufficient to determine the role of this variant in disease. Therefore, it has been classified as a Variant of Uncertain Significance.

Fulgent Genetics
Classification: Uncertain significance for Neuropathy, hereditary sensory and autonomic, type 2A; Pseudohypoaldosteronism type 2C. Last evaluated: 2024-01-08. Review status: criteria provided, single submitter. Criteria: ACMG Guidelines, 2015. Collection method: clinical testing. Allele origin: germline.

PreventionGenetics, part of Exact Sciences
Classification: Uncertain significance for WNK1-related condition. Last evaluated: 2023-03-01. Review status: criteria provided, single submitter. Criteria: ACMG Guidelines, 2015. Collection method: clinical testing. Allele origin: germline.
Comment: The WNK1 c.6233G>A variant is predicted to result in the amino acid substitution p.Arg2078Gln. To our knowledge, this variant has not been reported in the literature. This variant is reported in 0.0041% of alleles in individuals of European (Finnish) descent in gnomAD. At this time, the clinical significance of this variant is uncertain due to the absence of conclusive functional and genetic evidence.

NM_018979.4(WNK1):c.6233G>A (p.Arg2078Gln)

Gene: WNK1 (WNK lysine deficient protein kinase 1; plus strand). Cytogenetic location: 12p13.33.
Variant type: single nucleotide variant.
Coding change: c.6233G>A on transcript NM_018979.4 (MANE Select); coding-DNA position 6233, G replaced by A.
Protein change: p.Arg2078Gln; replaces arginine 2078 with glutamine.
Molecular consequence: missense variant.
Genome position (GRCh38, 1-based): chr12:896,720, G>A. VCF-style: chr12-896720-G-A. GRCh37 (hg19) VCF-style: chr12-1005886-G-A.
Other names: c.6233G>A (NM_018979.3); c.7013G>A, p.Arg2338Gln (NM_001184985.2); c.5489G>A, p.Arg1830Gln (NM_014823.3); c.6989G>A, p.Arg2330Gln (NM_213655.5); short protein forms R2330Q, R1830Q, R2338Q, R2078Q.
Identifiers: ClinVar variation 1524697 (VCV001524697.9), dbSNP rs1043098905, ClinGen allele CA231486981.
Genomic context (GRCh38, chr12:896,720, plus strand): 5'-ACATGAGTAGCGACAATGAGTCAGATATCGAAGATGAAGACTTAAAGTTAGAGCTGCGAC[G>A]ACTACGAGATAAGTAAGTATATTTTCTCTTGTGAAAGAATGTCAGATAAGGTTTTCAGAC-3'
Protein context (NP_061852.3, residues 2068-2088): EDEDLKLELR[Arg2078Gln]LRDKHLKEIQ